The following is an entry in ClinVar:

ClinVar aggregate classification (germline): Uncertain significance (1 of 4 stars; one submission).

Conditions:
Dilated cardiomyopathy 1O (CMD1O). Also called: CARDIOMYOPATHY, DILATED, WITH VENTRICULAR TACHYCARDIA. Identifiers: Orphanet 154, MedGen C1837839, MONDO:0012062, OMIM 608569.

gnomAD v4.1: 2 of 1,612,282 alleles (0.00012%); highest among the groups gnomAD compares: Non-Finnish European, 0.00017%; no homozygotes.

Submission:

Labcorp Genetics (formerly Invitae), Labcorp
Classification: Uncertain significance for Dilated cardiomyopathy 1O. Last evaluated: 2024-04-22. Review status: criteria provided, single submitter. Criteria: Invitae Variant Classification Sherloc (09022015). Collection method: clinical testing. Allele origin: germline.
Comment: This sequence change replaces alanine, which is neutral and non-polar, with serine, which is neutral and polar, at codon 764 of the ABCC9 protein (p.Ala764Ser). This variant is present in population databases (no rsID available, gnomAD 0.0009%). This variant has not been reported in the literature in individuals affected with ABCC9-related conditions. ClinVar contains an entry for this variant (Variation ID: 1362649). Advanced modeling of protein sequence and biophysical properties (such as structural, functional, and spatial information, amino acid conservation, physicochemical variation, residue mobility, and thermodynamic stability) performed at Invitae indicates that this missense variant is not expected to disrupt ABCC9 protein function with a negative predictive value of 80%. In summary, the available evidence is currently insufficient to determine the role of this variant in disease. Therefore, it has been classified as a Variant of Uncertain Significance.

NM_020297.4(ABCC9):c.2290G>T (p.Ala764Ser)

Gene: ABCC9 (ATP binding cassette subfamily C member 9; minus strand). Cytogenetic location: 12p12.1.
Variant type: single nucleotide variant.
Coding change: c.2290G>T on transcript NM_020297.4 (MANE Select); coding-DNA position 2290, G replaced by T.
Protein change: p.Ala764Ser; replaces alanine 764 with serine.
Molecular consequence: missense variant.
Genome position (GRCh38, 1-based): chr12:21,863,002, C>A on the plus strand (G>T on the coding strand, the complement: ABCC9 is on the minus strand). VCF-style: chr12-21863002-C-A. GRCh37 (hg19) VCF-style: chr12-22015936-C-A.
Other names: c.2290G>T, p.Ala764Ser (NM_001377273.1, NM_005691.4); c.1423G>T, p.Ala475Ser (NM_001377274.1); short protein forms A764S, A475S.
Identifiers: ClinVar variation 1362649 (VCV001362649.6), dbSNP rs750474414, ClinGen allele CA384129902.